The following is an entry in ClinVar:

NM_012309.5(SHANK2):c.8G>T (p.Arg3Leu)

Gene: SHANK2 (SH3 and multiple ankyrin repeat domains 2; minus strand). Cytogenetic location: 11q13.4.
Variant type: single nucleotide variant.
Coding change: c.8G>T on transcript NM_012309.5 (MANE Select); coding-DNA position 8, G replaced by T.
Protein change: p.Arg3Leu; replaces arginine 3 with leucine.
Molecular consequence: missense variant.
Genome position (GRCh38, 1-based): chr11:71,147,319, C>A on the plus strand (G>T on the coding strand, the complement: SHANK2 is on the minus strand). VCF-style: chr11-71147319-C-A. GRCh37 (hg19) VCF-style: chr11-70858365-C-A.
Other names: short protein forms R3L.
Identifiers: ClinVar variation 2662823 (VCV002662823.2), dbSNP rs369450251, ClinGen allele CA381961542.

ClinVar aggregate classification (germline): Uncertain significance. Review status: criteria provided, multiple submitters, no conflicts (2 of 4 stars). 2 submissions from 2 submitters: Uncertain significance (2). Last evaluated 2025-09-17.

gnomAD v4.1: 8 of 1,547,416 alleles (0.00052%); highest among the groups gnomAD compares: African/African-American, 0.0069%; no homozygotes.

Submissions (2):

Women's Health and Genetics/Laboratory Corporation of America, LabCorp
Classification: Uncertain significance. Last evaluated: 2025-09-17. Review status: criteria provided, single submitter. Criteria: LabCorp Variant Classification Summary - May 2015. Collection method: clinical testing. Allele origin: germline.
Comment: Variant summary: SHANK2 c.8G>T (p.Arg3Leu) results in a non-conservative amino acid change in the encoded protein sequence. Algorithms developed to predict the effect of missense changes on protein structure and function are either unavailable or do not agree on the potential impact of this missense change. The variant was absent in 154722 control chromosomes. The available data on variant occurrences in the general population are insufficient to allow any conclusion about variant significance. To our knowledge, no occurrence of c.8G>T in individuals affected with SHANK2-related conditions and no experimental evidence demonstrating its impact on protein function have been reported. ClinVar contains an entry for this variant (Variation ID: 2662823). Based on the evidence outlined above, the variant was classified as uncertain significance.

GeneDx
Classification: Uncertain significance. Last evaluated: 2023-01-05. Review status: criteria provided, single submitter. Criteria: GeneDx Variant Classification Process June 2021. Collection method: clinical testing. Allele origin: germline. Affected: yes.
Comment: In silico analysis supports that this missense variant has a deleterious effect on protein structure/function; Has not been previously published as pathogenic or benign to our knowledge